The following is an entry in ClinVar:

ClinVar aggregate classification (germline): Uncertain significance (1 of 4 stars; one submission).

Conditions:
Catecholaminergic polymorphic ventricular tachycardia 1. Also called: VENTRICULAR TACHYCARDIA, STRESS-INDUCED POLYMORPHIC 1; VENTRICULAR TACHYCARDIA, CATECHOLAMINERGIC POLYMORPHIC, 1, WITH OR WITHOUT ATRIAL DYSFUNCTION AND/OR DILATED CARDIOMYOPATHY; RYR2-Related Catecholaminergic Polymorphic Ventricular Tachycardia. Identifiers: Orphanet 3286, MedGen C1631597, MONDO:0011484, OMIM 604772.

Submission:

Labcorp Genetics (formerly Invitae), Labcorp
Classification: Uncertain significance for Catecholaminergic polymorphic ventricular tachycardia 1. Last evaluated: 2025-02-05. Review status: criteria provided, single submitter. Criteria: Invitae Variant Classification Sherloc (09022015). Collection method: clinical testing. Allele origin: germline.
Comment: This sequence change replaces serine, which is neutral and polar, with proline, which is neutral and non-polar, at codon 359 of the RYR2 protein (p.Ser359Pro). This variant is not present in population databases (gnomAD no frequency). This variant has not been reported in the literature in individuals affected with RYR2-related conditions. ClinVar contains an entry for this variant (Variation ID: 2057499). Invitae Evidence Modeling of protein sequence and biophysical properties (such as structural, functional, and spatial information, amino acid conservation, physicochemical variation, residue mobility, and thermodynamic stability) indicates that this missense variant is expected to disrupt RYR2 protein function with a positive predictive value of 95%. In summary, the available evidence is currently insufficient to determine the role of this variant in disease. Therefore, it has been classified as a Variant of Uncertain Significance.

NM_001035.3(RYR2):c.1075T>C (p.Ser359Pro)

Gene: RYR2 (ryanodine receptor 2; plus strand). Cytogenetic location: 1q43.
Variant type: single nucleotide variant.
Coding change: c.1075T>C on transcript NM_001035.3 (MANE Select); coding-DNA position 1075, T replaced by C.
Protein change: p.Ser359Pro; replaces serine 359 with proline.
Molecular consequence: missense variant.
Genome position (GRCh38, 1-based): chr1:237,441,388, T>C. VCF-style: chr1-237441388-T-C. GRCh37 (hg19) VCF-style: chr1-237604688-T-C.
Other names: short protein forms S359P.
Identifiers: ClinVar variation 2057499 (VCV002057499.4), dbSNP rs2528321511, ClinGen allele CA345376192.
Genomic context (GRCh38, chr1:237,441,388, plus strand): 5'-GATGTAGGGGTGAGAAAAGAAGTAGATGGCATGGGAACATCTGAAATAAAATACGGTGAC[T>C]CAGTATGCTATATACAACATGTAGACACAGGCCTATGGCTTACTTACCAGTCTGTGGACG-3'
Protein context (NP_001026.2, residues 349-369): MGTSEIKYGD[Ser359Pro]VCYIQHVDTG